The following is an entry in ClinVar:

NM_012309.5(SHANK2):c.1082del (p.Asn361fs)

Gene: SHANK2 (SH3 and multiple ankyrin repeat domains 2; minus strand). Cytogenetic location: 11q13.4.
Variant type: Deletion.
Coding change: c.1082del on transcript NM_012309.5 (MANE Select); coding-DNA position 1082, one base deleted (A; older notation c.1082delA).
Protein change: p.Asn361fs; shifts the reading frame from asparagine 361.
Molecular consequence: frameshift variant.
Genome position (GRCh38, 1-based): chr11:71,056,506, T deleted on the plus strand (A on the coding strand, the reverse complement: SHANK2 is on the minus strand); the first of 6 consecutive T bases (chr11:71,056,506-71,056,511); deleting any one gives the same sequence. VCF-style (leftmost placement, unchanged base first): chr11-71056505-GT-G.
Other names: c.1082del, p.Asn361fs (NM_001441024.1, NM_001441025.1, NM_001441026.1 and 12 more transcripts); c.1010del, p.Asn337fs (NM_001441038.1); short protein forms N337fs, N361fs.
Identifiers: ClinVar variation 5019994 (VCV005019994.2).
Genomic context (GRCh38, chr11:71,056,505, plus strand): 5'-CACACACATCCTTCCTGATGCTGAGATCTCTTTTACCTGAAATGGAGTCTGGCTGTTGTA[GT>G]TTTTTAACTCCTTATTTCCGCCTCGAAACAGAAGCACTCTTGCACAGCTGTCCTGCAAAT-3'

ClinVar aggregate classification (germline): Uncertain significance (1 of 4 stars; one submission).

Conditions:
Autism, susceptibility to, 17. Also called: Autism susceptibility 17. Identifiers: MedGen C3150693, MONDO:0013265, OMIM 613436.

Submission:

Juno Genomics, Hangzhou Juno Genomics, Inc
Classification: Uncertain significance for Autism, susceptibility to, 17. Review status: criteria provided, single submitter. Criteria: ACMG Guidelines, 2015. Collection method: clinical testing. Allele origin: germline.
Comment: Absent from controls (or at extremely low frequency if recessive) in Genome Aggregation Database.